The following is an entry in ClinVar:

NM_000019.4(ACAT1):c.851G>A (p.Ser284Asn)

Gene: ACAT1 (acetyl-CoA acetyltransferase 1; plus strand). Cytogenetic location: 11q22.3.
Variant type: single nucleotide variant.
Coding change: c.851G>A on transcript NM_000019.4 (MANE Select); coding-DNA position 851, G replaced by A.
Protein change: p.Ser284Asn; replaces serine 284 with asparagine.
Molecular consequence: missense variant.
Genome position (GRCh38, 1-based): chr11:108,142,461, G>A. VCF-style: chr11-108142461-G-A. GRCh37 (hg19) VCF-style: chr11-108013188-G-A.
Other names: short protein forms S284N.
Identifiers: ClinVar variation 666508 (VCV000666508.2), dbSNP rs1591371045, ClinGen allele CA382507991.

ClinVar aggregate classification (germline): Conflicting classifications of pathogenicity. Review status: criteria provided, conflicting classifications (1 of 4 stars). 2 submissions from 2 submitters: Likely pathogenic (1); Uncertain significance (1). Last evaluated 2025-06-05.

Conditions:
Deficiency of acetyl-CoA acetyltransferase. Also called: 3-KETOTHIOLASE DEFICIENCY; 3-OXOTHIOLASE DEFICIENCY; Beta-ketothiolase deficiency; MITOCHONDRIAL ACETOACETYL-CoA THIOLASE DEFICIENCY. Identifiers: Orphanet 134, MedGen C1536500, MONDO:0008760, OMIM 203750. Disease mechanism: loss of function.

Allele frequency attached by ClinVar (database versions not stated): gnomAD exomes below 0.00001.
gnomAD v4.1: 1 of 1,614,138 alleles (0.000062%); highest among the groups gnomAD compares: Non-Finnish European, 0.000085%; no homozygotes.

Submissions (2):

Myriad Genetics, Inc.
Classification: Likely pathogenic for Deficiency of acetyl-CoA acetyltransferase. Last evaluated: 2025-06-05. Review status: criteria provided, single submitter. Criteria: Myriad Autosomal Dominant, Autosomal Recessive and X-Linked Classification Criteria (2023). Collection method: clinical testing. Allele origin: unknown.
Comment: NM_000019.3(ACAT1):c.851G>A(S284N) is a missense variant classified as likely pathogenic in the context of beta-ketothiolase deficiency. S284N has been observed in a case with relevant disease (PMID: 28220263). Relevant functional assessments of this variant are not available in the literature. Internal structural analysis of the variant is supportive of pathogenicity. S284N has not been observed in referenced population frequency databases. In summary, NM_000019.3(ACAT1):c.851G>A(S284N) is a missense variant that has internal structural support for pathogenicity and has been observed more frequently in cases with the relevant disease than in healthy populations. Please note: this variant was assessed in the context of healthy population screening.

Department of Pediatrics, Gifu University
Classification: Uncertain significance for Deficiency of acetyl-CoA acetyltransferase. Last evaluated: 2019-05-05. Review status: criteria provided, single submitter. Criteria: ACMG Guidelines, 2015. Collection method: research. Allele origin: germline. Affected: yes. Observed: 1 variant allele.

Literature cited by the submitters: PubMed 28220263 (cited by Myriad Genetics, Inc.); PubMed 31268215 (cited by Department of Pediatrics, Gifu University).